The following is an entry in ClinVar:

NM_014874.4(MFN2):c.971-20A>C

Gene: MFN2 (mitofusin 2; plus strand). Cytogenetic location: 1p36.22.
Variant type: single nucleotide variant.
Coding change: c.971-20A>C on transcript NM_014874.4 (MANE Select); 20 bases into the intron before coding-DNA position 971, A replaced by C.
Molecular consequence: intron variant.
Genome position (GRCh38, 1-based): chr1:12,001,749, A>C. VCF-style: chr1-12001749-A-C. GRCh37 (hg19) VCF-style: chr1-12061806-A-C.
Other names: c.971-20A>C (NM_001127660.2).
Identifiers: ClinVar variation 3894559 (VCV003894559.1).
Genomic context (GRCh38, chr1:12,001,749, plus strand): 5'-AGTGGCTTGGTTTCTGGGGATTTCATCGTTTTCCTCTGCTGCCAAGTTGTTTCTGGACTA[A>C]TGCAGTACAATCCTCCTAGGGGGCGCTCTCGCAGAAGGCTTTCAAGTGAGGATGTTTGAG-3'

ClinVar aggregate classification (germline): Uncertain significance (1 of 4 stars; one submission).

Conditions:
Charcot-Marie-Tooth disease type 2A2. Also called: CHARCOT-MARIE-TOOTH DISEASE, AXONAL, TYPE 2A2; CHARCOT-MARIE-TOOTH DISEASE, NEURONAL, TYPE 2A2; HEREDITARY MOTOR AND SENSORY NEUROPATHY IIA2; HMSN IIA2; Charcot-Marie-Tooth Neuropathy Type 2A2; CHARCOT-MARIE-TOOTH DISEASE, AXONAL, AUTOSOMAL DOMINANT, TYPE 2A2A. Identifiers: Orphanet 99947, MedGen C4721887, MONDO:0012231, OMIM 609260.

Submission:

MVZ Medizinische Genetik Mainz
Classification: Uncertain significance for Charcot-Marie-Tooth disease type 2A2. Last evaluated: 2025-03-27. Review status: criteria provided, single submitter. Criteria: UK Practice Guidelines For Variant Classification V4 01 2020. Collection method: clinical testing. Allele origin: germline. Inheritance: Autosomal dominant inheritance. Affected: yes. Observed: 1 variant allele.
Comment: ACMG Criteria: PM2_SUP,PP3